The following is an entry in ClinVar:

ClinVar aggregate classification (germline): Likely benign. Review status: criteria provided, single submitter (1 of 4 stars). 2 submissions from 2 submitters: Likely benign (1). 1 of the submissions does not count toward it. Last evaluated 2026-01-24.

Conditions:
Intellectual developmental disorder, autosomal dominant 1. Also called: Intellectual disability, autosomal dominant 1; MBD5 Haploinsufficiency. Identifiers: Orphanet 228402, MedGen C1969562, MONDO:0007974, OMIM 156200.
MBD5-related disorder. Also called: MBD5-related condition.

Allele frequency attached by ClinVar (database versions not stated): gnomAD exomes below 0.00001.
gnomAD v4.1: 4 of 1,614,222 alleles (0.00025%); highest among the groups gnomAD compares: South Asian, 0.0044%; no homozygotes.

Submissions (2):

Labcorp Genetics (formerly Invitae), Labcorp
Classification: Likely benign for Intellectual developmental disorder, autosomal dominant 1. Last evaluated: 2026-01-24. Review status: criteria provided, single submitter. Criteria: Invitae Variant Classification Sherloc (09022015). Collection method: clinical testing. Allele origin: germline.

PreventionGenetics, part of Exact Sciences
Classification: Likely benign for MBD5-related condition. Last evaluated: 2021-01-20. Review status: no assertion criteria provided. Collection method: clinical testing. Allele origin: germline. Not counted in ClinVar's aggregate classification.
Comment: This variant is classified as likely benign based on ACMG/AMP sequence variant interpretation guidelines (Richards et al. 2015 PMID: 25741868, with internal and published modifications).

NM_001378120.1(MBD5):c.4020A>G (p.Ala1340=)

Gene: MBD5 (methyl-CpG binding domain protein 5; plus strand). Cytogenetic location: 2q23.1.
Variant type: single nucleotide variant.
Coding change: c.4020A>G on transcript NM_001378120.1 (MANE Select); coding-DNA position 4020, A replaced by G.
Protein change: p.Ala1340=; no amino-acid change (alanine 1340 retained).
Molecular consequence: synonymous variant.
Genome position (GRCh38, 1-based): chr2:148,489,652, A>G. VCF-style: chr2-148489652-A-G. GRCh37 (hg19) VCF-style: chr2-149247221-A-G.
Other names: c.3321A>G (NM_018328.4); c.3321A>G, p.Ala1107= (NM_018328.5).
Identifiers: ClinVar variation 1098255 (VCV001098255.11), dbSNP rs1273991401, ClinGen allele CA429447931.